The following is an entry in ClinVar:

ClinVar aggregate classification (germline): Likely pathogenic (1 of 4 stars; one submission).

Conditions:
CHD7-related disorder. Also called: CHD7-related condition.

Submission:

Laboratorio de Biologia Molecular/Medicina Genomica - IFF/Fiocruz, Instituto Fernandes Figueira, Fundacao Oswaldo Cruz
Classification: Likely pathogenic for CHD7-related conditions. Last evaluated: 2025-09-02. Review status: criteria provided, single submitter. Criteria: ACMG Guidelines, 2015. Collection method: clinical testing. Allele origin: germline. Affected: yes. Observed: 1 variant allele.
Comment: Variant: c.5761C>T (p.Gln1921Ter), in exon 29 of the CHD7 gene. Protein effect: Nonsense variant predicted to undergo NMD in a gene where LoF is a known mechanism of disease. Population database (gnomAD): Absent. ACMG/AMP criteria applied: PVS1, PM2_Supporting.

NM_017780.4(CHD7):c.5761C>T (p.Gln1921Ter)

Gene: CHD7 (chromodomain helicase DNA binding protein 7; plus strand). Cytogenetic location: 8q12.2.
Variant type: single nucleotide variant.
Coding change: c.5761C>T on transcript NM_017780.4 (MANE Select); coding-DNA position 5761, C replaced by T.
Protein change: p.Gln1921Ter; replaces glutamine 1921 with a stop codon.
Molecular consequence: nonsense. On other transcripts: intron variant (1).
Genome position (GRCh38, 1-based): chr8:60,852,114, C>T. VCF-style: chr8-60852114-C-T. GRCh37 (hg19) VCF-style: chr8-61764673-C-T.
Other names: c.1717-10115C>T (NM_001316690.1); short protein forms Q1921*.
Identifiers: ClinVar variation 4795193 (VCV004795193.1).